The following is an entry in ClinVar:

NM_182914.3(SYNE2):c.20519T>G (p.Val6840Gly)

Gene: SYNE2 (spectrin repeat containing nuclear envelope protein 2; plus strand). Cytogenetic location: 14q23.2.
Variant type: single nucleotide variant.
Coding change: c.20519T>G on transcript NM_182914.3 (MANE Select); coding-DNA position 20519, T replaced by G.
Protein change: p.Val6840Gly; replaces valine 6840 with glycine.
Molecular consequence: missense variant.
Genome position (GRCh38, 1-based): chr14:64,225,321, T>G. VCF-style: chr14-64225321-T-G. GRCh37 (hg19) VCF-style: chr14-64692039-T-G.
Other names: c.20453T>G, p.Val6818Gly (NM_015180.6); c.1085T>G, p.Val362Gly (NM_182910.2); c.1466T>G, p.Val489Gly (NM_182913.4); short protein forms V6818G, V6840G, V489G, V362G.
Identifiers: ClinVar variation 3676540 (VCV003676540.2).

ClinVar aggregate classification (germline): Uncertain significance (1 of 4 stars; one submission).

Conditions:
Emery-Dreifuss muscular dystrophy 5, autosomal dominant (EDMD5). Also called: EMERY-DREIFUSS MUSCULAR DYSTROPHY 5. Identifiers: Orphanet 261, MedGen C2751805, MONDO:0013072, OMIM 612999.

Submission:

Labcorp Genetics (formerly Invitae), Labcorp
Classification: Uncertain significance for Emery-Dreifuss muscular dystrophy 5, autosomal dominant. Last evaluated: 2024-07-19. Review status: criteria provided, single submitter. Criteria: Invitae Variant Classification Sherloc (09022015). Collection method: clinical testing. Allele origin: germline.
Comment: This sequence change replaces valine, which is neutral and non-polar, with glycine, which is neutral and non-polar, at codon 6840 of the SYNE2 protein (p.Val6840Gly). This variant is not present in population databases (gnomAD no frequency). This variant has not been reported in the literature in individuals affected with SYNE2-related conditions. An algorithm developed to predict the effect of missense changes on protein structure and function (PolyPhen-2) suggests that this variant is likely to be tolerated. In summary, the available evidence is currently insufficient to determine the role of this variant in disease. Therefore, it has been classified as a Variant of Uncertain Significance.